The following is an entry in ClinVar:

NM_001079872.2(CUL4B):c.1852+9C>G

Gene: CUL4B (cullin 4B; minus strand). Cytogenetic location: Xq24.
Variant type: single nucleotide variant.
Coding change: c.1852+9C>G on transcript NM_001079872.2 (MANE Select); 9 bases into the intron after coding-DNA position 1852, C replaced by G.
Molecular consequence: intron variant.
Genome position (GRCh38, 1-based): chrX:120,538,651, G>C on the plus strand (C>G on the coding strand, the complement: CUL4B is on the minus strand). VCF-style: chrX-120538651-G-C. GRCh37 (hg19) VCF-style: chrX-119672506-G-C.
Other names: c.1906+9C>G (NM_003588.4); c.1867+9C>G (NM_001330624.2); c.1318+9C>G (NM_001369145.1).
Identifiers: ClinVar variation 3349570 (VCV003349570.1).

ClinVar aggregate classification (germline): Likely benign (0 of 4 stars; one submission).

Conditions:
CUL4B-related disorder. Also called: CUL4B-related condition.

Submission:

PreventionGenetics, part of Exact Sciences
Classification: Likely benign for CUL4B-related condition. Last evaluated: 2023-11-10. Review status: no assertion criteria provided. Collection method: clinical testing. Allele origin: germline.
Comment: This variant is classified as likely benign based on ACMG/AMP sequence variant interpretation guidelines (Richards et al. 2015 PMID: 25741868, with internal and published modifications).